The following is an entry in ClinVar:

ClinVar aggregate classification (germline): Uncertain significance (1 of 4 stars; one submission).

Conditions:
Charcot-Marie-Tooth disease type 2. Also called: Charcot-Marie-Tooth type 2. Identifiers: Orphanet 64746, MedGen C0270914, MONDO:0018993.

Submission:

Labcorp Genetics (formerly Invitae), Labcorp
Classification: Uncertain significance for Charcot-Marie-Tooth disease type 2. Last evaluated: 2024-08-01. Review status: criteria provided, single submitter. Criteria: Invitae Variant Classification Sherloc (09022015). Collection method: clinical testing. Allele origin: germline.
Comment: This sequence change creates a premature translational stop signal (p.Gln29*) in the KIF1B gene. It is expected to result in an absent or disrupted protein product. However, the current clinical and genetic evidence is not sufficient to establish whether loss-of-function variants in KIF1B cause disease. This variant is not present in population databases (gnomAD no frequency). This variant has not been reported in the literature in individuals affected with KIF1B-related conditions. Experimental studies and prediction algorithms are not available or were not evaluated, and the functional significance of this variant is currently unknown. In summary, the available evidence is currently insufficient to determine the role of this variant in disease. Therefore, it has been classified as a Variant of Uncertain Significance.

NM_001365951.3(KIF1B):c.85C>T (p.Gln29Ter)

Genes: KIF1B (kinesin family member 1B; plus strand), LOC129388446 (MPRA-validated peak64 silencer; plus strand). Cytogenetic location: 1p36.22.
Variant type: single nucleotide variant.
Coding change: c.85C>T on transcript NM_001365951.3 (MANE Select); coding-DNA position 85, C replaced by T.
Protein change: p.Gln29Ter; replaces glutamine 29 with a stop codon.
Molecular consequence: nonsense.
Genome position (GRCh38, 1-based): chr1:10,232,413, C>T. VCF-style: chr1-10232413-C-T. GRCh37 (hg19) VCF-style: chr1-10292471-C-T.
Other names: c.85C>T, p.Gln29Ter (NM_001365952.1, NM_001365953.1, NM_015074.3 and 1 more transcripts); short protein forms Q29*.
Identifiers: ClinVar variation 3708055 (VCV003708055.2).